The following is an entry in ClinVar:

NM_018263.6(ASXL2):c.3944A>C (p.Lys1315Thr)

Gene: ASXL2 (ASXL transcriptional regulator 2; minus strand). Cytogenetic location: 2p23.3.
Variant type: single nucleotide variant.
Coding change: c.3944A>C on transcript NM_018263.6 (MANE Select); coding-DNA position 3944, A replaced by C.
Protein change: p.Lys1315Thr; replaces lysine 1315 with threonine.
Molecular consequence: missense variant.
Genome position (GRCh38, 1-based): chr2:25,742,393, T>G on the plus strand (A>C on the coding strand, the complement: ASXL2 is on the minus strand). VCF-style: chr2-25742393-T-G. GRCh37 (hg19) VCF-style: chr2-25965262-T-G.
Other names: c.3770A>C, p.Lys1257Thr (NM_001369346.1); c.3164A>C, p.Lys1055Thr (NM_001369347.1); short protein forms K1055T, K1257T, K1315T.
Identifiers: ClinVar variation 4076663 (VCV004076663.1).

ClinVar aggregate classification (germline): Uncertain significance (1 of 4 stars; one submission).

Submission:

GeneDx
Classification: Uncertain significance. Last evaluated: 2025-02-19. Review status: criteria provided, single submitter. Criteria: GeneDx Variant Classification Process June 2021. Collection method: clinical testing. Allele origin: germline. Affected: yes.
Comment: Not observed at significant frequency in large population cohorts (gnomAD); In silico analysis indicates that this missense variant does not alter protein structure/function; Has not been previously published as pathogenic or benign to our knowledge